The following is an entry in ClinVar:

NM_024721.5(ZFHX4):c.3938C>T (p.Thr1313Ile)

Gene: ZFHX4 (zinc finger homeobox 4; plus strand). Cytogenetic location: 8q21.13.
Variant type: single nucleotide variant.
Coding change: c.3938C>T on transcript NM_024721.5 (MANE Select); coding-DNA position 3938, C replaced by T.
Protein change: p.Thr1313Ile; replaces threonine 1313 with isoleucine.
Molecular consequence: missense variant.
Genome position (GRCh38, 1-based): chr8:76,850,336, C>T. VCF-style: chr8-76850336-C-T. GRCh37 (hg19) VCF-style: chr8-77762572-C-T.
Other names: c.3860C>T, p.Thr1287Ile (NM_001410934.1); short protein forms T1287I, T1313I.
Identifiers: ClinVar variation 5008930 (VCV005008930.1).

ClinVar aggregate classification (germline): Uncertain significance (1 of 4 stars; one submission).

Submission:

GeneDx
Classification: Uncertain significance. Last evaluated: 2026-03-11. Review status: criteria provided, single submitter. Criteria: GeneDx Variant Classification Process June 2021. Collection method: clinical testing. Allele origin: germline.
Comment: Not observed at significant frequency in large population cohorts (gnomAD); In silico analysis supports that this missense variant has a deleterious effect on protein structure/function; Has not been previously published as pathogenic or benign to our knowledge